The following is an entry in ClinVar:

NM_201384.3(PLEC):c.2767C>T (p.Arg923Cys)

Gene: PLEC (plectin; minus strand). Cytogenetic location: 8q24.3.
Variant type: single nucleotide variant.
Coding change: c.2767C>T on transcript NM_201384.3 (MANE Select); coding-DNA position 2767, C replaced by T.
Protein change: p.Arg923Cys; replaces arginine 923 with cysteine.
Molecular consequence: missense variant.
Genome position (GRCh38, 1-based): chr8:143,929,802, G>A on the plus strand (C>T on the coding strand, the complement: PLEC is on the minus strand). VCF-style: chr8-143929802-G-A. GRCh37 (hg19) VCF-style: chr8-145003970-G-A.
Other names: c.2848C>T (NM_000445.3); c.2848C>T, p.Arg950Cys (NM_000445.5, NM_001410941.1); c.2725C>T, p.Arg909Cys (NM_201378.4); c.2701C>T, p.Arg901Cys (NM_201379.3); c.3178C>T, p.Arg1060Cys (NM_201380.4); c.2671C>T, p.Arg891Cys (NM_201381.3); c.2767C>T, p.Arg923Cys (NM_201382.4); c.2779C>T, p.Arg927Cys (NM_201383.3); short protein forms R1060C, R891C, R901C, R909C, R923C, R927C, R950C.
Identifiers: ClinVar variation 2419681 (VCV002419681.9), dbSNP rs782037610, ClinGen allele CA4927347.
Genomic context (GRCh38, chr8:143,929,802, plus strand): 5'-CGTCCTGGCTGTCCCGCAGGAAGGCCTGGTAGTGCAGCTCCAGGCTGTGCAGGGCTTGGC[G>A]CTGCTCCTCTGGCTTCAGGGTGCGGAACTGGGGGAAGCACGTGGGGCTGAGTGCCGGGCG-3'
Protein context (NP_958786.1, residues 913-933): TFRTLKPEEQ[Arg923Cys]QALHSLELHY

ClinVar aggregate classification (germline): Uncertain significance. Review status: criteria provided, multiple submitters, no conflicts (2 of 4 stars). 2 submissions from 2 submitters: Uncertain significance (2). Last evaluated 2024-10-25.

Conditions:
Epidermolysis bullosa simplex 5B, with muscular dystrophy (EBS5B). Also called: Epidermolysis bullosa simplex with muscular dystrophy; EPIDERMOLYSIS BULLOSA SIMPLEX AND LIMB-GIRDLE MUSCULAR DYSTROPHY. Identifiers: Orphanet 257, MedGen C2931072, MONDO:0009181, OMIM 226670.
Epidermolysis bullosa simplex 5C, with pyloric atresia (EBS5C). Also called: PLEC-Related Epidermolysis Bullosa with Pyloric Atresia; Epidermolysis bullosa simplex with pyloric atresia; PLEC1-Related Epidermolysis Bullosa with Pyloric Atresia. Identifiers: Orphanet 158684, MedGen C2677349, MONDO:0012807, OMIM 612138.
Autosomal recessive limb-girdle muscular dystrophy type 2Q (LGMDR17). Also called: MUSCULAR DYSTROPHY, LIMB-GIRDLE, AUTOSOMAL RECESSIVE 17. Identifiers: Orphanet 254361, MedGen C3150989, MONDO:0013390, OMIM 613723.
Epidermolysis bullosa simplex with nail dystrophy (EBS5D). Identifiers: MedGen C4225309, MONDO:0014661, OMIM 616487.
Epidermolysis bullosa simplex, Ogna type (EBS5A). Also called: Pidermolysis bullosa simplex 5A, Ogna type; EPIDERMOLYSIS BULLOSA SIMPLEX 5A, OGNA TYPE. Identifiers: Orphanet 79401, MedGen C0432317, MONDO:0007555, OMIM 131950.
Inborn genetic diseases. Identifiers: MedGen C0950123, MeSH D030342.

Allele frequency attached by ClinVar (database versions not stated): TOPMed below 0.00001; ExAC 0.00001; gnomAD 0.00001.
gnomAD v4.1: 5 of 1,598,944 alleles (0.00031%); highest among the groups gnomAD compares: Admixed American, 0.005%; no homozygotes.

Submissions (2):

Ambry Genetics
Classification: Uncertain significance for Inborn genetic diseases. Last evaluated: 2024-10-25. Review status: criteria provided, single submitter. Criteria: Ambry Variant Classification Scheme 2023. Collection method: clinical testing. Allele origin: germline.

Labcorp Genetics (formerly Invitae), Labcorp
Classification: Uncertain significance for Autosomal recessive limb-girdle muscular dystrophy type 2Q; Epidermolysis bullosa simplex, Ogna type; Epidermolysis bullosa simplex with nail dystrophy; Epidermolysis bullosa simplex 5C, with pyloric atresia; Epidermolysis bullosa simplex 5B, with muscular dystrophy. Last evaluated: 2024-07-04. Review status: criteria provided, single submitter. Criteria: Invitae Variant Classification Sherloc (09022015). Collection method: clinical testing. Allele origin: germline.
Comment: This sequence change replaces arginine, which is basic and polar, with cysteine, which is neutral and slightly polar, at codon 950 of the PLEC protein (p.Arg950Cys). The frequency data for this variant in the population databases is considered unreliable, as metrics indicate poor data quality at this position in the gnomAD database. This variant has not been reported in the literature in individuals affected with PLEC-related conditions. ClinVar contains an entry for this variant (Variation ID: 2419681). Advanced modeling of protein sequence and biophysical properties (such as structural, functional, and spatial information, amino acid conservation, physicochemical variation, residue mobility, and thermodynamic stability) performed at Invitae indicates that this missense variant is not expected to disrupt PLEC protein function with a negative predictive value of 80%. In summary, the available evidence is currently insufficient to determine the role of this variant in disease. Therefore, it has been classified as a Variant of Uncertain Significance.